The following is an entry in ClinVar:

ClinVar aggregate classification (germline): Uncertain significance (1 of 4 stars; one submission).

Conditions:
Very long chain acyl-CoA dehydrogenase deficiency (ACADVLD). Also called: VLCAD Deficiency; Very Long-Chain Acyl-Coenzyme A Dehydrogenase Deficiency. Identifiers: Orphanet 26793, MedGen C3887523, MONDO:0008723, OMIM 201475.

Submission:

Labcorp Genetics (formerly Invitae), Labcorp
Classification: Uncertain significance for Very long chain acyl-CoA dehydrogenase deficiency. Last evaluated: 2022-04-19. Review status: criteria provided, single submitter. Criteria: Invitae Variant Classification Sherloc (09022015). Collection method: clinical testing. Allele origin: germline.
Comment: This sequence change replaces glutamic acid, which is acidic and polar, with lysine, which is basic and polar, at codon 414 of the ACADVL protein (p.Glu414Lys). This variant is not present in population databases (gnomAD no frequency). This variant has not been reported in the literature in individuals affected with ACADVL-related conditions. Advanced modeling of protein sequence and biophysical properties (such as structural, functional, and spatial information, amino acid conservation, physicochemical variation, residue mobility, and thermodynamic stability) performed at Invitae indicates that this missense variant is expected to disrupt ACADVL protein function. In summary, the available evidence is currently insufficient to determine the role of this variant in disease. Therefore, it has been classified as a Variant of Uncertain Significance.

NM_000018.4(ACADVL):c.1240G>A (p.Glu414Lys)

Gene: ACADVL (acyl-CoA dehydrogenase very long chain; plus strand). Cytogenetic location: 17p13.1.
Variant type: single nucleotide variant.
Coding change: c.1240G>A on transcript NM_000018.4 (MANE Select); coding-DNA position 1240, G replaced by A.
Protein change: p.Glu414Lys; replaces glutamic acid 414 with lysine.
Molecular consequence: missense variant.
Genome position (GRCh38, 1-based): chr17:7,223,701, G>A. VCF-style: chr17-7223701-G-A. GRCh37 (hg19) VCF-style: chr17-7127020-G-A.
Other names: c.1174G>A, p.Glu392Lys (NM_001033859.3); c.1309G>A, p.Glu437Lys (NM_001270447.2); c.1012G>A, p.Glu338Lys (NM_001270448.2); short protein forms E437K, E338K, E392K, E414K.
Identifiers: ClinVar variation 2168257 (VCV002168257.1), dbSNP rs2508341350, ClinGen allele CA397724666.
Genomic context (GRCh38, chr17:7,223,701, plus strand): 5'-CAGTCCATGGCTTACATGGTGAGTGCTAACATGGACCAGGGAGCCACGGACTTCCAGATA[G>A]AGGCCGCCATCAGCAAAATCTTTGGCTCGGTGAGGTCCCAGGCATGCTGGGAGGGAGTCC-3'
Protein context (NP_000009.1, residues 404-424): MDQGATDFQI[Glu414Lys]AAISKIFGSE